The following is an entry in ClinVar:

NM_006254.4(PRKCD):c.1871T>C (p.Val624Ala)

Gene: PRKCD (protein kinase C delta; plus strand). Cytogenetic location: 3p21.1.
Variant type: single nucleotide variant.
Coding change: c.1871T>C on transcript NM_006254.4 (MANE Select); coding-DNA position 1871, T replaced by C.
Protein change: p.Val624Ala; replaces valine 624 with alanine.
Molecular consequence: missense variant.
Genome position (GRCh38, 1-based): chr3:53,190,000, T>C. VCF-style: chr3-53190000-T-C. GRCh37 (hg19) VCF-style: chr3-53224016-T-C.
Other names: c.1871T>C, p.Val624Ala (NM_001316327.2, NM_001354679.2, NM_001354680.2 and 1 more transcripts); c.1928T>C, p.Val643Ala (NM_001354676.2); c.1919T>C, p.Val640Ala (NM_001354678.2); short protein forms V640A, V624A, V643A.
Identifiers: ClinVar variation 1347489 (VCV001347489.6), dbSNP rs782223641, ClinGen allele CA2452303.

ClinVar aggregate classification (germline): Uncertain significance (1 of 4 stars; one submission).

Conditions:
Autoimmune lymphoproliferative syndrome, type III caused by mutation in PRKCD. Identifiers: Orphanet 3261, Orphanet 664711, MedGen C3809928, MONDO:8000024, OMIM 615559.

Allele frequency attached by ClinVar (database versions not stated): gnomAD exomes below 0.00001; ExAC 0.00001.
gnomAD v4.1: 1 of 1,613,842 alleles (0.000062%); highest among the groups gnomAD compares: Non-Finnish European, 0.000085%; no homozygotes.

Submission:

Labcorp Genetics (formerly Invitae), Labcorp
Classification: Uncertain significance for Autoimmune lymphoproliferative syndrome, type III caused by mutation in PRKCD. Last evaluated: 2025-07-30. Review status: criteria provided, single submitter. Criteria: Invitae Variant Classification Sherloc (09022015). Collection method: clinical testing. Allele origin: germline.
Comment: This sequence change replaces valine, which is neutral and non-polar, with alanine, which is neutral and non-polar, at codon 624 of the PRKCD protein (p.Val624Ala). This variant is present in population databases (rs782223641, gnomAD 0.0009%). This variant has not been reported in the literature in individuals affected with PRKCD-related conditions. ClinVar contains an entry for this variant (Variation ID: 1347489). An algorithm developed to predict the effect of missense changes on protein structure and function (PolyPhen-2) suggests that this variant is likely to be disruptive. In summary, the available evidence is currently insufficient to determine the role of this variant in disease. Therefore, it has been classified as a Variant of Uncertain Significance.